The following is an entry in ClinVar:

ClinVar aggregate classification (germline): Likely benign. Review status: criteria provided, multiple submitters, no conflicts (2 of 4 stars). 2 submissions from 2 submitters: Likely benign (2). Last evaluated 2024-10-03.

Conditions:
Familial cancer of breast. Also called: hereditary breast carcinoma; Hereditary breast cancer; BREAST CANCER, FAMILIAL. Identifiers: Orphanet 227535, MedGen C0346153, MONDO:0016419, OMIM 114480. Disease mechanism: loss of function.

Allele frequency attached by ClinVar (database versions not stated): gnomAD exomes below 0.00001.
gnomAD v4.1: 7 of 1,521,010 alleles (0.00046%); highest among the groups gnomAD compares: Admixed American, 0.0017%; no homozygotes.

Submissions (2):

Myriad Genetics, Inc.
Classification: Likely benign for Familial cancer of breast. Last evaluated: 2024-10-03. Review status: criteria provided, single submitter. Criteria: Myriad Autosomal Dominant, Autosomal Recessive and X-Linked Classification Criteria (2023). Collection method: clinical testing. Allele origin: unknown.
Comment: This variant is considered likely benign. This variant is intronic and is not expected to impact mRNA splicing.

Labcorp Genetics (formerly Invitae), Labcorp
Classification: Likely benign for Familial cancer of breast. Last evaluated: 2024-04-30. Review status: criteria provided, single submitter. Criteria: Invitae Variant Classification Sherloc (09022015). Collection method: clinical testing. Allele origin: germline.

NM_007194.4(CHEK2):c.793-15T>C

Gene: CHEK2 (checkpoint kinase 2; minus strand). Cytogenetic location: 22q12.1.
Variant type: single nucleotide variant.
Coding change: c.793-15T>C on transcript NM_007194.4 (MANE Select); 15 bases into the intron before coding-DNA position 793, T replaced by C.
Molecular consequence: intron variant.
Genome position (GRCh38, 1-based): chr22:28,710,074, A>G on the plus strand (T>C on the coding strand, the complement: CHEK2 is on the minus strand). VCF-style: chr22-28710074-A-G. GRCh37 (hg19) VCF-style: chr22-29106062-A-G.
Other names: c.130-15T>C (NM_001437942.1, NM_001257387.3); c.592-15T>C (NM_001349956.3); c.793-15T>C (NM_145862.3); c.886-15T>C (NM_001438295.1, NM_001438293.1); c.922-15T>C (NM_001438294.1, NM_001005735.3).
Identifiers: ClinVar variation 1615723 (VCV001615723.10), dbSNP rs1297980569, ClinGen allele CA638800183.